The following is an entry in ClinVar:

ClinVar aggregate classification (germline): Conflicting classifications of pathogenicity. Review status: criteria provided, conflicting classifications (1 of 4 stars). 5 submissions from 5 submitters: Uncertain significance (3); Likely benign (2). Last evaluated 2025-10-16.

Conditions:
TTN-related disorder. Also called: TTN-related disorders; TTN-related condition; TTN-related disease.

Allele frequency attached by ClinVar (database versions not stated): gnomAD exomes 0.00004; ExAC 0.00011; gnomAD 0.00013 and 0.00014; TOPMed 0.00019; ESP Exome Variant Server 0.00051.
gnomAD v4.1: 33 of 1,482,544 alleles (0.0022%); highest among the groups gnomAD compares: African/African-American, 0.042%; no homozygotes.

Submissions (5):

PreventionGenetics, part of Exact Sciences
Classification: Uncertain significance for TTN-related condition. Last evaluated: 2025-10-16. Review status: criteria provided, single submitter. Criteria: ACMG Guidelines, 2015. Collection method: clinical testing. Allele origin: germline.
Comment: The TTN c.35371G>T variant is predicted to result in the amino acid substitution p.Val11791Phe. To our knowledge, this variant has not been reported in the literature. This variant is reported in 0.043% of alleles in individuals of African descent in gnomAD. At this time, the clinical significance of this variant is uncertain due to the absence of conclusive functional and genetic evidence.

Blueprint Genetics
Classification: Likely benign. Last evaluated: 2024-10-17. Review status: criteria provided, single submitter. Criteria: ACMG Guidelines, 2015. Collection method: clinical testing. Allele origin: germline.

Revvity Omics, Revvity
Classification: Uncertain significance. Last evaluated: 2021-09-03. Review status: criteria provided, single submitter. Criteria: ACMG Guidelines, 2015. Collection method: clinical testing. Allele origin: germline.

Athena Diagnostics
Classification: Uncertain significance. Last evaluated: 2020-11-11. Review status: criteria provided, single submitter. Criteria: Athena Diagnostics criteria. Collection method: clinical testing. Allele origin: unknown.

GeneDx
Classification: Likely benign. Last evaluated: 2019-09-10. Review status: criteria provided, single submitter. Criteria: GeneDx Variant Classification Process June 2021. Collection method: clinical testing. Allele origin: germline. Affected: yes.

NM_001267550.2(TTN):c.35371G>T (p.Val11791Phe)

Gene: TTN (titin; minus strand). Cytogenetic location: 2q31.2.
Variant type: single nucleotide variant.
Coding change: c.35371G>T on transcript NM_001267550.2 (MANE Select); coding-DNA position 35371, G replaced by T.
Protein change: p.Val11791Phe; replaces valine 11791 with phenylalanine.
Molecular consequence: missense variant. On other transcripts: intron variant (3).
Genome position (GRCh38, 1-based): chr2:178,670,233, C>A on the plus strand (G>T on the coding strand, the complement: TTN is on the minus strand). VCF-style: chr2-178670233-C-A. GRCh37 (hg19) VCF-style: chr2-179534960-C-A.
Other names: c.34249G>T, p.Val11417Phe (NM_001256850.1); c.31468G>T, p.Val10490Phe (NM_133378.4); c.13283-27916G>T (NM_003319.4); c.13859-27916G>T (NM_133437.4); c.13658-27916G>T (NM_133432.3); c.35371G>T (NM_001267550.1); short protein forms V10490F, V11417F, V11791F.
Identifiers: ClinVar variation 675873 (VCV000675873.9), dbSNP rs200587998, ClinGen allele CA1997842.
Genomic context (GRCh38, chr2:178,670,233, plus strand): 5'-TAAAAAAGGATTTTATATTAATGATGAATGAGAAAAGCCAGTTACCTTTAGTTGGTGGAA[C>A]TCTGGGCTCTTCAGGAACACGTACTTTTTCTTCTACCACAATTTTCTTAGGCACCTCCGG-3'
Protein context (NP_001254479.2, residues 11781-11801): EKVRVPEEPR[Val11791Phe]PPTKAPEVPK